The following is an entry in ClinVar:

NM_000057.4(BLM):c.1565del (p.Gly522fs)

Gene: BLM (BLM RecQ like helicase; plus strand). Cytogenetic location: 15q26.1.
Variant type: Deletion.
Coding change: c.1565del on transcript NM_000057.4 (MANE Select); coding-DNA position 1565, one base deleted (G; older notation c.1565delG).
Protein change: p.Gly522fs; shifts the reading frame from glycine 522.
Molecular consequence: frameshift variant.
Genome position (GRCh38, 1-based): chr15:90,760,938, G deleted; the last of 2 consecutive G bases (chr15:90,760,937-90,760,938); deleting either gives the same sequence. VCF-style (leftmost placement, unchanged base first): chr15-90760936-AG-A. GRCh37 (hg19) VCF-style: chr15-91304166-AG-A.
Other names: c.1565del, p.Gly522fs (NM_001287246.2, NM_001287247.2); c.440del, p.Gly147fs (NM_001287248.2); short protein forms G147fs, G522fs.
Identifiers: ClinVar variation 963693 (VCV000963693.1), dbSNP rs1895965271, ClinGen allele CA1139664161.

ClinVar aggregate classification (germline): Pathogenic (1 of 4 stars; one submission).

Conditions:
Bloom syndrome (BLM). Also called: Bloom-Torre-Machacek syndrome. Identifiers: Orphanet 125, MedGen C0005859, MONDO:0008876, OMIM 210900.

Submission:

Labcorp Genetics (formerly Invitae), Labcorp
Classification: Pathogenic for Bloom syndrome. Last evaluated: 2019-09-23. Review status: criteria provided, single submitter. Criteria: Invitae Variant Classification Sherloc (09022015). Collection method: clinical testing. Allele origin: germline.
Comment: This sequence change creates a premature translational stop signal (p.Gly522Glufs*9) in the BLM gene. It is expected to result in an absent or disrupted protein product. This variant is not present in population databases (ExAC no frequency). This variant has not been reported in the literature in individuals with BLM-related conditions. Algorithms developed to predict the effect of sequence changes on RNA splicing suggest that this variant may create or strengthen a splice site, but this prediction has not been confirmed by published transcriptional studies. Loss-of-function variants in BLM are known to be pathogenic (PMID: 17407155). For these reasons, this variant has been classified as Pathogenic.